The following is an entry in ClinVar:

NM_020778.5(ALPK3):c.3702G>A (p.Ala1234=)

Gene: ALPK3 (alpha kinase 3; plus strand). Cytogenetic location: 15q25.3.
Variant type: single nucleotide variant.
Coding change: c.3702G>A on transcript NM_020778.5 (MANE Select); coding-DNA position 3702, G replaced by A.
Protein change: p.Ala1234=; no amino-acid change (alanine 1234 retained).
Molecular consequence: synonymous variant.
Genome position (GRCh38, 1-based): chr15:84,858,440, G>A. VCF-style: chr15-84858440-G-A. GRCh37 (hg19) VCF-style: chr15-85401671-G-A.
Identifiers: ClinVar variation 512071 (VCV000512071.18), dbSNP rs55721004, ClinGen allele CA7709695.

ClinVar aggregate classification (germline): Likely benign. Review status: criteria provided, multiple submitters, no conflicts (2 of 4 stars). 9 submissions from 9 submitters: Likely benign (6). 3 of the submissions do not count toward it. Last evaluated 2026-08-01.

Conditions:
Cardiovascular phenotype. Identifiers: MedGen CN230736.
ALPK3-related disorder. Also called: ALPK3-related condition.
Cardiomyopathy, familial hypertrophic 27. Identifiers: MedGen C4748014, MONDO:0054838, OMIM 618052.

Allele frequency attached by ClinVar (database versions not stated): gnomAD exomes 0.00025; gnomAD 0.00026 and 0.00027; TOPMed 0.00032; ExAC 0.00040; ESP Exome Variant Server 0.00086.
gnomAD v4.1: 760 of 1,565,312 alleles (0.049%); highest among the groups gnomAD compares: East Asian, 0.088%; no homozygotes.

Submissions (9):

CeGaT Center for Human Genetics Tuebingen
Classification: Likely benign. Last evaluated: 2026-08-01. Review status: criteria provided, single submitter. Criteria: CeGaT Center For Human Genetics Tuebingen Variant Classification Criteria Version 2. Collection method: clinical testing. Allele origin: germline. Affected: yes. Observed: 1 variant allele.
Comment: ALPK3: BP4, BP7

Labcorp Genetics (formerly Invitae), Labcorp
Classification: Likely benign. Last evaluated: 2026-01-24. Review status: criteria provided, single submitter. Criteria: Invitae Variant Classification Sherloc (09022015). Collection method: clinical testing. Allele origin: germline.

ARUP Laboratories, Molecular Genetics and Genomics, ARUP Laboratories
Classification: Likely benign for Cardiomyopathy, familial hypertrophic 27. Last evaluated: 2025-04-07. Review status: criteria provided, single submitter. Criteria: ARUP Molecular Germline Variant Investigation Process 2024. Collection method: clinical testing. Allele origin: germline.

Blueprint Genetics
Classification: Likely benign. Last evaluated: 2024-10-17. Review status: criteria provided, single submitter. Criteria: ACMG Guidelines, 2015. Collection method: clinical testing. Allele origin: germline.

Ambry Genetics
Classification: Likely benign for Cardiovascular phenotype. Last evaluated: 2019-05-02. Review status: criteria provided, single submitter. Criteria: Ambry Variant Classification Scheme 2023. Collection method: clinical testing. Allele origin: germline.

GeneDx
Classification: Likely benign. Last evaluated: 2017-09-25. Review status: criteria provided, single submitter. Criteria: GeneDx Variant Classification (06012015). Collection method: clinical testing. Allele origin: germline. Affected: yes.
Comment: This variant is considered likely benign or benign based on one or more of the following criteria: it is a conservative change, it occurs at a poorly conserved position in the protein, it is predicted to be benign by multiple in silico algorithms, and/or has population frequency not consistent with disease.

PreventionGenetics, part of Exact Sciences
Classification: Likely benign for ALPK3-related condition. Last evaluated: 2020-11-23. Review status: no assertion criteria provided. Collection method: clinical testing. Allele origin: germline. Not counted in ClinVar's aggregate classification.
Comment: This variant is classified as likely benign based on ACMG/AMP sequence variant interpretation guidelines (Richards et al. 2015 PMID: 25741868, with internal and published modifications).

Clinical Genetics DNA and cytogenetics Diagnostics Lab, Erasmus MC, Erasmus Medical Center
Classification: Likely benign. Review status: no assertion criteria provided. Collection method: clinical testing. Allele origin: germline. Affected: yes. Study: VKGL Data-share Consensus. Not counted in ClinVar's aggregate classification.

Clinical Genetics, Academic Medical Center
Classification: Benign. Review status: no assertion criteria provided. Collection method: clinical testing. Allele origin: germline. Affected: yes. Study: VKGL Data-share Consensus. Not counted in ClinVar's aggregate classification.